The following is an entry in ClinVar:

NM_014956.5(CEP164):c.3020G>A (p.Arg1007His)

Gene: CEP164 (centrosomal protein 164; plus strand). Cytogenetic location: 11q23.3.
Variant type: single nucleotide variant.
Coding change: c.3020G>A on transcript NM_014956.5 (MANE Select); coding-DNA position 3020, G replaced by A.
Protein change: p.Arg1007His; replaces arginine 1007 with histidine.
Molecular consequence: missense variant.
Genome position (GRCh38, 1-based): chr11:117,395,653, G>A. VCF-style: chr11-117395653-G-A. GRCh37 (hg19) VCF-style: chr11-117266369-G-A.
Other names: c.3029G>A, p.Arg1010His (NM_001271933.2); short protein forms R1010H, R1007H.
Identifiers: ClinVar variation 1410698 (VCV001410698.6), dbSNP rs372292887, ClinGen allele CA6295303.

ClinVar aggregate classification (germline): Uncertain significance (1 of 4 stars; one submission).

Conditions:
Nephronophthisis 15 (NPHP15). Identifiers: Orphanet 3156, MedGen C3541853, MONDO:0013917, OMIM 614845.

Allele frequency attached by ClinVar (database versions not stated): gnomAD exomes 0.00001 and 0.00002; ExAC 0.00003; gnomAD 0.00003; TOPMed 0.00003; ESP Exome Variant Server 0.00008.
gnomAD v4.1: 22 of 1,613,508 alleles (0.0014%); highest among the groups gnomAD compares: South Asian, 0.011%; 1 homozygote.

Submission:

Labcorp Genetics (formerly Invitae), Labcorp
Classification: Uncertain significance for Nephronophthisis 15. Last evaluated: 2025-03-12. Review status: criteria provided, single submitter. Criteria: Invitae Variant Classification Sherloc (09022015). Collection method: clinical testing. Allele origin: germline.
Comment: This sequence change replaces arginine, which is basic and polar, with histidine, which is basic and polar, at codon 1007 of the CEP164 protein (p.Arg1007His). This variant is present in population databases (rs372292887, gnomAD 0.01%). This variant has not been reported in the literature in individuals affected with CEP164-related conditions. ClinVar contains an entry for this variant (Variation ID: 1410698). Invitae Evidence Modeling of protein sequence and biophysical properties (such as structural, functional, and spatial information, amino acid conservation, physicochemical variation, residue mobility, and thermodynamic stability) indicates that this missense variant is not expected to disrupt CEP164 protein function with a negative predictive value of 80%. In summary, the available evidence is currently insufficient to determine the role of this variant in disease. Therefore, it has been classified as a Variant of Uncertain Significance.